The following is an entry in ClinVar:

ClinVar aggregate classification (germline): Uncertain significance. Review status: criteria provided, multiple submitters, no conflicts (2 of 4 stars). 3 submissions from 3 submitters: Uncertain significance (3). Last evaluated 2025-12-01.

Conditions:
Autosomal recessive limb-girdle muscular dystrophy type 2J (LGMDR10). Also called: Limb-girdle muscular dystrophy, type 2J; MUSCULAR DYSTROPHY, LIMB-GIRDLE, AUTOSOMAL RECESSIVE 10. Identifiers: Orphanet 140922, MedGen C1837342, MONDO:0012127, OMIM 608807.
Dilated cardiomyopathy 1G (CMD1G). Identifiers: Orphanet 154, MedGen C1858763, MONDO:0011400, OMIM 604145.

Allele frequency attached by ClinVar (database versions not stated): gnomAD 0.00001; gnomAD exomes 0.00002 and 0.00004; TOPMed 0.00002; ExAC 0.00004.
gnomAD v4.1: 37 of 1,613,838 alleles (0.0023%); highest among the groups gnomAD compares: East Asian, 0.02%; 1 homozygote.

Submissions (3):

CeGaT Center for Human Genetics Tuebingen
Classification: Uncertain significance. Last evaluated: 2025-12-01. Review status: criteria provided, single submitter. Criteria: CeGaT Center For Human Genetics Tuebingen Variant Classification Criteria Version 2. Collection method: clinical testing. Allele origin: germline. Affected: yes. Observed: 1 variant allele.

Labcorp Genetics (formerly Invitae), Labcorp
Classification: Uncertain significance for Dilated cardiomyopathy 1G; Autosomal recessive limb-girdle muscular dystrophy type 2J. Last evaluated: 2017-11-20. Review status: criteria provided, single submitter. Criteria: Invitae Variant Classification Sherloc (09022015). Collection method: clinical testing. Allele origin: germline.

GeneDx
Classification: Uncertain significance. Last evaluated: 2014-01-28. Review status: criteria provided, single submitter. Criteria: GeneDx Variant Classification (06012015). Collection method: clinical testing. Allele origin: germline. Affected: yes.
Comment: Missense variants in the TTN gene are considered 'unclassified' if they are not previously reported in the literature and do not have >1% frequency in the population to be considered a polymorphism. Research indicates that truncating mutations in the TTN gene are expected to account for approximately 25% of familial and 18% of sporadic idiopathic DCM; however, truncating variants in the TTN gene have been reported in approximately 3% of reported control alleles. There has been little investigation into non-truncating variants. (Herman D et al. Truncations of titin causing dilated cardiomyopathy. N Eng J Med 366:619-628, 2012) The variant is found in CARDIOMYOPATHY panel(s).

NM_001267550.2(TTN):c.187G>A (p.Ala63Thr)

Gene: TTN (titin; minus strand). Cytogenetic location: 2q31.2.
Variant type: single nucleotide variant.
Coding change: c.187G>A on transcript NM_001267550.2 (MANE Select); coding-DNA position 187, G replaced by A.
Protein change: p.Ala63Thr; replaces alanine 63 with threonine.
Molecular consequence: missense variant.
Genome position (GRCh38, 1-based): chr2:178,802,246, C>T on the plus strand (G>A on the coding strand, the complement: TTN is on the minus strand). VCF-style: chr2-178802246-C-T. GRCh37 (hg19) VCF-style: chr2-179666973-C-T.
Other names: p.A63T:GCT>ACT; c.187G>A, p.Ala63Thr (NM_001256850.1, NM_003319.4, NM_133378.4 and 3 more transcripts); short protein forms A63T.
Identifiers: ClinVar variation 203184 (VCV000203184.9), dbSNP rs764892312, ClinGen allele CA311611.